The following is an entry in ClinVar:

NM_000038.6(APC):c.3539G>T (p.Ser1180Ile)

Gene: APC (APC regulator of Wnt signaling pathway; plus strand). Cytogenetic location: 5q22.2.
Variant type: single nucleotide variant.
Coding change: c.3539G>T on transcript NM_000038.6 (MANE Select); coding-DNA position 3539, G replaced by T.
Protein change: p.Ser1180Ile; replaces serine 1180 with isoleucine.
Molecular consequence: missense variant.
Genome position (GRCh38, 1-based): chr5:112,839,133, G>T. VCF-style: chr5-112839133-G-T. GRCh37 (hg19) VCF-style: chr5-112174830-G-T.
Other names: c.3539G>T (NM_000038.5); c.3539G>T, p.Ser1180Ile (NM_001127510.3, NM_001354895.2); c.3485G>T, p.Ser1162Ile (NM_001127511.3); c.3593G>T, p.Ser1198Ile (NM_001354896.2); c.3569G>T, p.Ser1190Ile (NM_001354897.2); c.3464G>T, p.Ser1155Ile (NM_001354898.2); c.3455G>T, p.Ser1152Ile (NM_001354899.2); c.3416G>T, p.Ser1139Ile (NM_001354900.2); and 6 more; short protein forms S1089I, S1152I, S1162I, S1020I, S1079I, S1155I, S897I, S1139I.
Identifiers: ClinVar variation 1367686 (VCV001367686.7), dbSNP rs1580636760, ClinGen allele CA16029109.
Genomic context (GRCh38, chr5:112,839,133, plus strand): 5'-CAAATTATAGCATAAAATATAATGAAGAGAAACGTCATGTGGATCAGCCTATTGATTATA[G>T]TTTAAAATATGCCACAGATATTCCTTCATCACAGAAACAGTCATTTTCATTCTCAAAGAG-3'
Protein context (NP_000029.2, residues 1170-1190): KRHVDQPIDY[Ser1180Ile]LKYATDIPSS

ClinVar aggregate classification (germline): Uncertain significance. Review status: criteria provided, multiple submitters, no conflicts (2 of 4 stars). 2 submissions from 2 submitters: Uncertain significance (2). Last evaluated 2026-02-20.

Conditions:
Hereditary cancer-predisposing syndrome. Also called: Hereditary neoplastic syndrome; Tumor predisposition; Neoplastic Syndromes, Hereditary; Hereditary Cancer Syndrome. Identifiers: Orphanet 140162, MedGen C0027672, MeSH D009386, MONDO:0015356.
Familial adenomatous polyposis 1 (FAP1). Also called: POLYPOSIS, ADENOMATOUS INTESTINAL; FAMILIAL ADENOMATOUS POLYPOSIS 1, ATTENUATED. Identifiers: MedGen C2713442, MONDO:0021056, OMIM 175100. Disease mechanism: loss of function.

Submissions (2):

Ambry Genetics
Classification: Uncertain significance for Hereditary cancer-predisposing syndrome. Last evaluated: 2026-02-20. Review status: criteria provided, single submitter. Criteria: Ambry Variant Classification Scheme 2023. Collection method: clinical testing. Allele origin: germline.
Comment: The p.S1180I variant (also known as c.3539G>T), located in coding exon 15 of the APC gene, results from a G to T substitution at nucleotide position 3539. The serine at codon 1180 is replaced by isoleucine, an amino acid with dissimilar properties. This amino acid position is conserved. In addition, in silico predictors for this gene do not accurately predict pathogenicity. Based on the available evidence, the clinical significance of this variant remains unclear.

Labcorp Genetics (formerly Invitae), Labcorp
Classification: Uncertain significance for Familial adenomatous polyposis 1. Last evaluated: 2025-04-29. Review status: criteria provided, single submitter. Criteria: Invitae Variant Classification Sherloc (09022015). Collection method: clinical testing. Allele origin: germline.
Comment: This sequence change replaces serine, which is neutral and polar, with isoleucine, which is neutral and non-polar, at codon 1180 of the APC protein (p.Ser1180Ile). This variant is not present in population databases (gnomAD no frequency). This variant has not been reported in the literature in individuals affected with APC-related conditions. ClinVar contains an entry for this variant (Variation ID: 1367686). Invitae Evidence Modeling of protein sequence and biophysical properties (such as structural, functional, and spatial information, amino acid conservation, physicochemical variation, residue mobility, and thermodynamic stability) has been performed for this missense variant. However, the output from this modeling did not meet the statistical confidence thresholds required to predict the impact of this variant on APC protein function. In summary, the available evidence is currently insufficient to determine the role of this variant in disease. Therefore, it has been classified as a Variant of Uncertain Significance.